The following is an entry in ClinVar:

NM_001033855.3(DCLRE1C):c.1574_1575del (p.Asp524_Ser525insTer)

Gene: DCLRE1C (DNA cross-link repair 1C; minus strand). Cytogenetic location: 10p13.
Variant type: Microsatellite.
Coding change: c.1574_1575del on transcript NM_001033855.3 (MANE Select); coding-DNA positions 1574 to 1575, 2 bases deleted (CT; older notation c.1574_1575delCT).
Protein change: p.Asp524_Ser525insTer.
Molecular consequence: nonsense. On other transcripts: non-coding transcript variant (4).
Genome position (GRCh38, 1-based): chr10:14,908,912-14,908,913, AG deleted on the plus strand (CT on the coding strand, the reverse complement: DCLRE1C is on the minus strand); deleting any 2 consecutive bases within chr10:14,908,912-14,908,915 gives the same sequence; the c. name uses the placement nearest the transcript's 3' end. VCF-style (leftmost placement, unchanged base first): chr10-14908911-CAG-C. GRCh37 (hg19) VCF-style: chr10-14950910-CAG-C.
Other names: c.1214_1215del, p.Asp404_Ser405insTer (NM_001033857.3, NM_001033858.3, NM_001289077.2 and 2 more transcripts); c.1229_1230del, p.Asp409_Ser410insTer (NM_001289076.2, NM_001289078.2, NM_001350966.2 and 1 more transcripts); c.1574_1575del, p.Asp524_Ser525insTer (NM_001350965.2).
Identifiers: ClinVar variation 2674751 (VCV002674751.4), dbSNP rs2491628054, ClinGen allele CA2608348845.

ClinVar aggregate classification (germline): Pathogenic/Likely pathogenic. Review status: criteria provided, multiple submitters, no conflicts (2 of 4 stars). 2 submissions from 2 submitters: Pathogenic (1); Likely pathogenic (1). Last evaluated 2023-08-28.

Conditions:
Severe combined immunodeficiency due to DCLRE1C deficiency (RS-SCID). Also called: SCID, AUTOSOMAL RECESSIVE, T CELL-NEGATIVE, B CELL-NEGATIVE, NK CELL-POSITIVE, WITH SENSITIVITY TO IONIZING RADIATION. Identifiers: Orphanet 275, MedGen C1865371, MONDO:0011225, OMIM 602450.
Histiocytic medullary reticulosis. Also called: SEVERE COMBINED IMMUNODEFICIENCY WITH HYPEREOSINOPHILIA; Omenn syndrome. Identifiers: Orphanet 39041, MedGen C2700553, MONDO:0011338, OMIM 603554.

Submissions (2):

Labcorp Genetics (formerly Invitae), Labcorp
Classification: Pathogenic for Athabaskan severe combined immunodeficiency. Last evaluated: 2023-08-28. Review status: criteria provided, single submitter. Criteria: Invitae Variant Classification Sherloc (09022015). Collection method: clinical testing. Allele origin: germline.
Comment: This sequence change creates a premature translational stop signal (p.Ser525*) in the DCLRE1C gene. While this is not anticipated to result in nonsense mediated decay, it is expected to disrupt the last 168 amino acid(s) of the DCLRE1C protein. This variant is not present in population databases (gnomAD no frequency). For these reasons, this variant has been classified as Pathogenic. This variant disrupts a region of the DCLRE1C protein in which other variant(s) (p.Thr557Asnfs*21) have been determined to be pathogenic (PMID: 26476407). This suggests that this is a clinically significant region of the protein, and that variants that disrupt it are likely to be disease-causing. This variant has not been reported in the literature in individuals affected with DCLRE1C-related conditions.

Baylor Genetics
Classification: Likely pathogenic for Histiocytic medullary reticulosis. Last evaluated: 2023-07-21. Review status: criteria provided, single submitter. Criteria: ACMG Guidelines, 2015. Collection method: clinical testing. Allele origin: unknown.

Literature cited by the submitters: PubMed 26476407 (cited by Labcorp Genetics (formerly Invitae), Labcorp).